The following is an entry in ClinVar:

NM_001128.6(AP1G1):c.1678C>T (p.Gln560Ter)

Gene: AP1G1 (adaptor related protein complex 1 subunit gamma 1; minus strand). Cytogenetic location: 16q22.2.
Variant type: single nucleotide variant.
Coding change: c.1678C>T on transcript NM_001128.6 (MANE Select); coding-DNA position 1678, C replaced by T.
Protein change: p.Gln560Ter; replaces glutamine 560 with a stop codon.
Molecular consequence: nonsense.
Genome position (GRCh38, 1-based): chr16:71,746,640, G>A on the plus strand (C>T on the coding strand, the complement: AP1G1 is on the minus strand). VCF-style: chr16-71746640-G-A. GRCh37 (hg19) VCF-style: chr16-71780543-G-A.
Other names: c.1687C>T, p.Gln563Ter (NM_001030007.2); short protein forms Q563*, Q560*.
Identifiers: ClinVar variation 4795249 (VCV004795249.1).

ClinVar aggregate classification (germline): Likely pathogenic (1 of 4 stars; one submission).

Conditions:
Usmani-Riazuddin syndrome, autosomal dominant (USRISD). Identifiers: MedGen C5561952, MONDO:0859174, OMIM 619467.

Submission:

Department of Clinical Genetics, Aarhus University Hospital
Classification: Likely pathogenic for Usmani-Riazuddin syndrome, autosomal dominant. Last evaluated: 2025-12-30. Review status: criteria provided, single submitter. Criteria: ACMG Guidelines, 2015. Collection method: clinical testing. Allele origin: unknown. Inheritance: Autosomal dominant inheritance. Affected: yes.
Comment: The variant is a nonsense variant in exon 18 out of 24 exons and is predicted to result in NMD and loss-of-function. The variant is not seen in the gnomAD 4.1 database. To our knowledge the variant has not been reported in the literature in individuals with AP1G1-related disorder. According to the ACMG guidelines, this variant is interpreted as likely pathogenic (PVS1, PM2_supporting).